The following is an entry in ClinVar:

NM_001903.5(CTNNA1):c.736A>T (p.Lys246Ter)

Gene: CTNNA1 (catenin alpha 1; plus strand). Cytogenetic location: 5q31.2.
Variant type: single nucleotide variant.
Coding change: c.736A>T on transcript NM_001903.5 (MANE Select); coding-DNA position 736, A replaced by T.
Protein change: p.Lys246Ter; replaces lysine 246 with a stop codon.
Molecular consequence: nonsense.
Genome position (GRCh38, 1-based): chr5:138,824,677, A>T. VCF-style: chr5-138824677-A-T. GRCh37 (hg19) VCF-style: chr5-138160366-A-T.
Other names: c.736A>T, p.Lys246Ter (NM_001290307.3, NM_001323982.2, NM_001323983.1 and 3 more transcripts); c.427A>T, p.Lys143Ter (NM_001290309.3); c.367A>T, p.Lys123Ter (NM_001290310.3); short protein forms K123*, K246*, K143*.
Identifiers: ClinVar variation 3645931 (VCV003645931.2).
Genomic context (GRCh38, chr5:138,824,677, plus strand): 5'-CAGGCATGCCTACAGCACCCTGATGTCGCAGCCTATAAGGCCAACAGGGACCTGATATAC[A>T]AGCAGCTGCAGCAGGCGGTCACAGGCATTTCCAATGCAGCCCAGGCCACTGCCTCAGACG-3'

ClinVar aggregate classification (germline): Pathogenic (1 of 4 stars; one submission).

Submission:

Labcorp Genetics (formerly Invitae), Labcorp
Classification: Pathogenic. Last evaluated: 2024-03-14. Review status: criteria provided, single submitter. Criteria: Invitae Variant Classification Sherloc (09022015). Collection method: clinical testing. Allele origin: germline.
Comment: This sequence change creates a premature translational stop signal (p.Lys246*) in the CTNNA1 gene. It is expected to result in an absent or disrupted protein product. Loss-of-function variants in CTNNA1 are known to be pathogenic (PMID: 32051609, 34425242). This variant is not present in population databases (gnomAD no frequency). This variant has not been reported in the literature in individuals affected with CTNNA1-related conditions. For these reasons, this variant has been classified as Pathogenic.

Literature cited by the submitters: PubMed 32051609; PubMed 34425242.